The following is an entry in ClinVar:

NM_015965.7(NDUFA13):c.22C>G (p.Gln8Glu)

Genes: NDUFA13 (NADH:ubiquinone oxidoreductase subunit A13; plus strand), LOC130064074 (ATAC-STARR-seq lymphoblastoid active region 14360; plus strand). Cytogenetic location: 19p13.11.
Variant type: single nucleotide variant.
Coding change: c.22C>G on transcript NM_015965.7 (MANE Select); coding-DNA position 22, C replaced by G.
Protein change: p.Gln8Glu; replaces glutamine 8 with glutamic acid.
Molecular consequence: missense variant.
Genome position (GRCh38, 1-based): chr19:19,516,260, C>G. VCF-style: chr19-19516260-C-G. GRCh37 (hg19) VCF-style: chr19-19627069-C-G.
Other names: short protein forms Q8E.
Identifiers: ClinVar variation 1967493 (VCV001967493.2), dbSNP rs777712324, ClinGen allele CA9327600.

ClinVar aggregate classification (germline): Uncertain significance (1 of 4 stars; one submission).

Allele frequency attached by ClinVar (database versions not stated): ExAC 0.00001.
gnomAD v4.1: 2 of 1,613,900 alleles (0.00012%); highest among the groups gnomAD compares: South Asian, 0.0011%; no homozygotes.

Submission:

Labcorp Genetics (formerly Invitae), Labcorp
Classification: Uncertain significance. Last evaluated: 2022-08-02. Review status: criteria provided, single submitter. Criteria: Invitae Variant Classification Sherloc (09022015). Collection method: clinical testing. Allele origin: germline.
Comment: This sequence change replaces glutamine, which is neutral and polar, with glutamic acid, which is acidic and polar, at codon 8 of the NDUFA13 protein (p.Gln8Glu). This variant is not present in population databases (gnomAD no frequency). This variant has not been reported in the literature in individuals affected with NDUFA13-related conditions. Algorithms developed to predict the effect of missense changes on protein structure and function (SIFT, PolyPhen-2, Align-GVGD) all suggest that this variant is likely to be disruptive. In summary, the available evidence is currently insufficient to determine the role of this variant in disease. Therefore, it has been classified as a Variant of Uncertain Significance.